The following is an entry in ClinVar:

ClinVar aggregate classification (germline): Uncertain significance (1 of 4 stars; one submission).

Submission:

Labcorp Genetics (formerly Invitae), Labcorp
Classification: Uncertain significance. Last evaluated: 2023-12-16. Review status: criteria provided, single submitter. Criteria: Invitae Variant Classification Sherloc (09022015). Collection method: clinical testing. Allele origin: germline.
Comment: This sequence change replaces asparagine, which is neutral and polar, with serine, which is neutral and polar, at codon 194 of the PAFAH1B1 protein (p.Asn194Ser). This variant is not present in population databases (gnomAD no frequency). This variant has not been reported in the literature in individuals affected with PAFAH1B1-related conditions. An algorithm developed to predict the effect of missense changes on protein structure and function (PolyPhen-2) suggests that this variant is likely to be tolerated. In summary, the available evidence is currently insufficient to determine the role of this variant in disease. Therefore, it has been classified as a Variant of Uncertain Significance.

NM_000430.4(PAFAH1B1):c.581A>G (p.Asn194Ser)

Gene: PAFAH1B1 (platelet activating factor acetylhydrolase 1b regulatory subunit 1; plus strand). Cytogenetic location: 17p13.3.
Variant type: single nucleotide variant.
Coding change: c.581A>G on transcript NM_000430.4 (MANE Select); coding-DNA position 581, A replaced by G.
Protein change: p.Asn194Ser; replaces asparagine 194 with serine.
Molecular consequence: missense variant.
Genome position (GRCh38, 1-based): chr17:2,672,667, A>G. VCF-style: chr17-2672667-A-G. GRCh37 (hg19) VCF-style: chr17-2575961-A-G.
Other names: short protein forms N194S.
Identifiers: ClinVar variation 2701734 (VCV002701734.3), dbSNP rs2544102463, ClinGen allele CA397641102.
Genomic context (GRCh38, chr17:2,672,667, plus strand): 5'-CTCTTGGTGGTATATTACTTCATAATATATTGCTGTTATGTGTTTTAGGCCATGACCACA[A>G]TGTTTCTTCAGTAGCCATCATGCCCAATGGAGATCATATAGTGTCTGCCTCAAGGGATAA-3'
Protein context (NP_000421.1, residues 184-204): CIRTMHGHDH[Asn194Ser]VSSVAIMPNG